The following is an entry in ClinVar:

NM_005422.4(TECTA):c.5597C>T (p.Thr1866Met)

Genes: TBCEL-TECTA (TBCEL-TECTA readthrough; plus strand), TECTA (tectorin alpha; plus strand). Cytogenetic location: 11q23.3.
Variant type: single nucleotide variant.
Coding change: c.5597C>T on transcript NM_005422.4 (MANE Select); coding-DNA position 5597, C replaced by T.
Protein change: p.Thr1866Met; replaces threonine 1866 with methionine.
Molecular consequence: missense variant.
Genome position (GRCh38, 1-based): chr11:121,168,064, C>T. VCF-style: chr11-121168064-C-T. GRCh37 (hg19) VCF-style: chr11-121038773-C-T.
Other names: c.6539C>T, p.Thr2180Met (NM_001378761.1); short protein forms T1866M, T2180M.
Identifiers: ClinVar variation 236058 (VCV000236058.79), dbSNP rs140236996, ClinGen allele CA6327783.

ClinVar aggregate classification (germline): Pathogenic/Likely pathogenic. Review status: criteria provided, multiple submitters, no conflicts (2 of 4 stars). 18 submissions from 18 submitters: Pathogenic (11); Likely pathogenic (4). 3 of the submissions do not count toward it. Last evaluated 2026-09-01.

Conditions:
TECTA-related disorder. Also called: TECTA-related condition.
Monogenic hearing loss.
Rare genetic deafness. Identifiers: Orphanet 96210, MedGen C5680250.
Inborn genetic diseases. Identifiers: MedGen C0950123, MeSH D030342.
Autosomal dominant nonsyndromic hearing loss 12. Also called: DEAFNESS, AUTOSOMAL DOMINANT 8. Identifiers: Orphanet 90635, MedGen C1832187, MONDO:0011102, OMIM 601543.

Allele frequency attached by ClinVar (database versions not stated): TOPMed below 0.00001; gnomAD 0.00001; ESP Exome Variant Server 0.00008.
gnomAD v4.1: 3 of 1,614,014 alleles (0.00019%); highest among the groups gnomAD compares: South Asian, 0.0011%; no homozygotes.

Submissions (18):

CeGaT Center for Human Genetics Tuebingen
Classification: Pathogenic. Last evaluated: 2026-09-01. Review status: criteria provided, single submitter. Criteria: CeGaT Center For Human Genetics Tuebingen Variant Classification Criteria Version 2. Collection method: clinical testing. Allele origin: germline. Affected: yes. Observed: 3 variant alleles.
Comment: TECTA: PP1:Strong, PS4, PM2

Genetics Laboratory, Great Ormond Street Hospital NHS Foundation Trust, North Thames Genomic Laboratory Hub
Classification: Likely pathogenic for Monogenic hearing loss. Last evaluated: 2025-10-17. Review status: criteria provided, single submitter. Criteria: ACGS Best Practice Guidelines for Variant Classification in Rare Disease 2024 v1.2. Collection method: clinical testing. Allele origin: germline. Affected: yes.
Comment: PS4_moderate, PM2_supporting, PP3_supporting, PP1_strong, PM6_supporting

Labcorp Genetics (formerly Invitae), Labcorp
Classification: Pathogenic. Last evaluated: 2025-10-12. Review status: criteria provided, single submitter. Criteria: Invitae Variant Classification Sherloc (09022015). Collection method: clinical testing. Allele origin: germline.
Comment: This sequence change replaces threonine, which is neutral and polar, with methionine, which is neutral and non-polar, at codon 1866 of the TECTA protein (p.Thr1866Met). This variant is present in population databases (rs140236996, gnomAD 0.0009%). This missense change has been observed in individuals with autosomal dominant deafness (PMID: 20947814, 31163360, 31554319, 32853555). It has also been observed to segregate with disease in related individuals. ClinVar contains an entry for this variant (Variation ID: 236058). Invitae Evidence Modeling of protein sequence and biophysical properties (such as structural, functional, and spatial information, amino acid conservation, physicochemical variation, residue mobility, and thermodynamic stability) has been performed for this missense variant. However, the output from this modeling did not meet the statistical confidence thresholds required to predict the impact of this variant on TECTA protein function. For these reasons, this variant has been classified as Pathogenic.

GeneDx
Classification: Pathogenic. Last evaluated: 2024-05-14. Review status: criteria provided, single submitter. Criteria: GeneDx Variant Classification Process June 2021. Collection method: clinical testing. Allele origin: germline. Affected: yes.
Comment: Not observed at significant frequency in large population cohorts (gnomAD); In silico analysis indicates that this missense variant does not alter protein structure/function; This variant is associated with the following publications: (PMID: 24006325, 18022253, 22718023, 25413827, 21917145, 21520338, 23891399, 18797289, 17431902, 12746400, 9590290, 9150164, 30935366, 31163360, 32853555, 28000701, 24586623, 31554319, 27627659, 34795337, 34599366, 20947814, 36555390, Miyanohara2024[article], 38224868, 16718611)

The Shared Resource Centre "Genome", Research Centre for Medical Genetics
Classification: Pathogenic for Autosomal dominant nonsyndromic hearing loss 12. Last evaluated: 2022-11-10. Review status: criteria provided, single submitter. Criteria: ACMG Guidelines, 2015. Collection method: clinical testing. Allele origin: germline. Affected: yes. Observed: 1 variant allele.

Centre of Medical Genetics, University Hospital Muenster
Classification: Likely pathogenic. Last evaluated: 2022-09-15. Review status: criteria provided, single submitter. Criteria: ACMG Guidelines, 2015. Collection method: clinical testing. Allele origin: unknown. Affected: yes. Observed: 1 variant allele, 1 heterozygote.
Comment: ACMG categories: PS5,PM2,PP3,PP5

3billion
Classification: Pathogenic for Autosomal dominant nonsyndromic hearing loss 12. Last evaluated: 2022-01-03. Review status: criteria provided, single submitter. Criteria: ACMG Guidelines, 2015. Collection method: clinical testing. Allele origin: germline. Affected: yes. Observed: 1 heterozygote.
Comment: Same nucleotide change resulting in same amino acid change has been previously reported as pathogenic/likely pathogenic with strong evidence (ClinVar ID: VCV000236058, PS1_S). The variant was co-segregated with Deafness, autosomal dominant 8/12 in multiple affected family members with additional meioses meeting strong evidence levels (PMID: 21520338, 21917145) (PP1_S). In silico tool predictions suggest damaging effect of the variant on gene or gene product (REVEL: 0.761, PP3_P). It is observed at an extremely low frequency in the gnomAD v2.1.1 dataset (total allele frequency: 0.000004, PM2_M). Therefore, this variant is classified as pathogenic according to the recommendation of ACMG/AMP guideline.

Blueprint Genetics
Classification: Pathogenic for TECTA-related disorders. Last evaluated: 2020-06-12. Review status: criteria provided, single submitter. Criteria: ACMG Guidelines, 2015. Collection method: clinical testing. Allele origin: germline. Affected: yes. Observed: 2 variant alleles.

Centre for Mendelian Genomics, University Medical Centre Ljubljana
Classification: Pathogenic for Autosomal dominant nonsyndromic hearing loss 12. Last evaluated: 2020-01-16. Review status: criteria provided, single submitter. Criteria: ACMG Guidelines, 2015. Collection method: clinical testing. Allele origin: unknown. Affected: yes.
Comment: This variant was classified as: Pathogenic. The following ACMG criteria were applied in classifying this variant: PS1,PM1,PM2,PP1_P,PP3.

Laboratory for Molecular Medicine, Mass General Brigham Personalized Medicine
Classification: Likely pathogenic for Rare genetic deafness. Last evaluated: 2018-05-21. Review status: criteria provided, single submitter. Criteria: LMM Criteria. Collection method: clinical testing. Allele origin: germline. Inheritance: Autosomal dominant inheritance. Observed: 1 variant allele.
Comment: The p.Thr1866Met variant in TECTA has been reported in 6 individuals with hearin g loss and segregated in >10 affected family members (Brownstein 2011, Hildebran d 2011, Mori 2016, Moteki 2012, Sagong 2010, Su 2014, Zazo Seco 2017). In one f amily, several affected individuals were homozygous for the variant and were rep orted to have a more severe hearing loss than the heterozygotes (Hildebrand 2011 ). This variant has also been reported in ClinVar as Pathogenic/Likely Pathogen ic by four other clinical laboratories (Variation ID# 236058). It has been iden tified in 1/111688 European chromosomes by the Genome Aggregation Database (gnom AD; dbSNP rs140236996). Please note that for d iseases with clinical variability, reduced penetrance, or recessive inheritance, pathogenic variants may be present at a low frequency in the general population . Computational prediction tools and conservation analysis suggest that the p.Th r1866Met variant may impact the protein. In summary, although additional studies are required to fully establish its clinical significance, this variant is like ly pathogenic. ACMG/AMP Criteria applied: PP1_Strong, PM2, PS4_Moderate, PP3.

Illumina Laboratory Services, Illumina
Classification: Pathogenic for Autosomal dominant nonsyndromic hearing loss 12. Last evaluated: 2017-04-27. Review status: criteria provided, single submitter. Criteria: ICSL Variant Classification Criteria 09 May 2019. Collection method: clinical testing. Allele origin: germline.
Comment: The TECTA c.5597C>T (p.Thr1866Met) missense variant has been reported in four studies in which it is found in a total of 22 patients with hearing loss including in three in a homozygous state, in 15 in a heterozygous state and in four patients from the same family in a heterozygous state with another missense variant in cis as part of a complex allele (Sagong et al. 2010; Hildebrand et al. 2011; Brownstein et al. 2011; Moteki et al. 2012). The p.Thr1866Met variant is thought to be the causative variant from the complex allele. The p.Thr1866Met variant showed segregation with disease in a large Korean family, a large Spanish family and a Jewish family (Sagong et al. 2010; Hildebrand et al. 2011; Brownstein et al. 2011). The three individuals in whom the variant was detected in a homozygous state showed a more severe hearing loss than that of their older relatives carrying the variant in a heterozygous state (Hildebrand et al. 2011). The p.Thr1866Met variant was absent from a total of 594 controls and is reported at a frequency of 0.00012 in the European American population of the Exome Sequencing Project. This frequency is based on one allele in an area of good sequence coverage so the variant is presumed to be rare. The p.Thr1866Met variant is located in the ZP domain of tectorin, which is highly conserved across species; the Thr1866 residue itself is highly conserved. Based on the collective evidence, the p.Thr1866Met variant is classified as pathogenic for autosomal dominant nonsyndromic hearing loss. This variant was observed by ICSL as part of a predisposition screen in an ostensibly healthy population.

Ambry Genetics
Classification: Likely pathogenic for Inborn genetic diseases. Last evaluated: 2016-05-13. Review status: criteria provided, single submitter. Criteria: Ambry exome assertion method (8-5-2015). Collection method: clinical testing. Allele origin: germline. Affected: yes. Observed: 2 variant alleles.

Eurofins Ntd Llc (ga)
Classification: Pathogenic. Last evaluated: 2016-04-04. Review status: criteria provided, single submitter. Criteria: EGL Classification Definitions 2015. Collection method: clinical testing. Allele origin: germline. Observed: 2 variant alleles, 2 heterozygotes.

Clinical Genetics Service, Universitary Hospital 12 de Octubre
Classification: Pathogenic for Autosomal dominant nonsyndromic hearing loss 12. Review status: criteria provided, single submitter. Criteria: ACMG Guidelines, 2015. Collection method: clinical testing. Allele origin: paternal. Affected: yes.

UNC Molecular Genetics  Laboratory, University of North Carolina at Chapel Hill
Classification: Pathogenic for Deafness, autosomal dominant 12. Review status: criteria provided, single submitter. Criteria: ACMG Guidelines, 2015. Collection method: research. Allele origin: germline. Affected: yes. Observed: 1 variant allele. Study: NSIGHT-NC NEXUS.
Comment: The TECTA c.5597C>T (p.T1866M) variant has been previously reported in at least 3 families with autosomal dominant nonsyndromic hearing loss. This variant affects a well-conserved amino acid located in the ZP domain of the encoded protein (PMID: 20947814; 21520338; 22718023).

Laboratory of Prof. Karen Avraham, Tel Aviv University
Classification: Pathogenic for Autosomal dominant nonsyndromic hearing loss 12. Last evaluated: 2016-02-19. Review status: no assertion criteria provided. Collection method: research. Allele origin: germline. Affected: yes. Not counted in ClinVar's aggregate classification.
Comment: Congenital, progressive, moderate-profound HL

NSHL; dominant, DFNA12

Clinical Genetics DNA and cytogenetics Diagnostics Lab, Erasmus MC, Erasmus Medical Center
Classification: Likely pathogenic. Review status: no assertion criteria provided. Collection method: clinical testing. Allele origin: germline. Affected: yes. Study: VKGL Data-share Consensus. Not counted in ClinVar's aggregate classification.

Joint Genome Diagnostic Labs from Nijmegen and Maastricht, Radboudumc and MUMC+
Classification: Likely pathogenic. Review status: no assertion criteria provided. Collection method: clinical testing. Allele origin: germline. Affected: yes. Study: VKGL Data-share Consensus. Not counted in ClinVar's aggregate classification.

Literature cited by the submitters: PubMed 20947814 (cited by 6 submitters); PubMed 31163360 (cited by Labcorp Genetics (formerly Invitae), Labcorp); PubMed 31554319 (cited by Labcorp Genetics (formerly Invitae), Labcorp); PubMed 32853555 (cited by Labcorp Genetics (formerly Invitae), Labcorp); PubMed 21520338 (cited by 5 submitters); PubMed 21917145 (cited by 5 submitters); PubMed 27627659 (cited by Laboratory for Molecular Medicine, Mass General Brigham Personalized Medicine); PubMed 24586623 (cited by Laboratory for Molecular Medicine, Mass General Brigham Personalized Medicine); PubMed 22718023 (cited by 4 submitters); PubMed 28000701 (cited by Laboratory for Molecular Medicine, Mass General Brigham Personalized Medicine).